The following is an entry in ClinVar:

ClinVar aggregate classification (germline): Uncertain significance. Review status: criteria provided, multiple submitters, no conflicts (2 of 4 stars). 2 submissions from 2 submitters: Uncertain significance (2). Last evaluated 2023-12-09.

Submissions (2):

Labcorp Genetics (formerly Invitae), Labcorp
Classification: Uncertain significance. Last evaluated: 2023-12-09. Review status: criteria provided, single submitter. Criteria: Invitae Variant Classification Sherloc (09022015). Collection method: clinical testing. Allele origin: germline.
Comment: This sequence change replaces leucine, which is neutral and non-polar, with phenylalanine, which is neutral and non-polar, at codon 121 of the WFS1 protein (p.Leu121Phe). This variant is not present in population databases (gnomAD no frequency). This variant has not been reported in the literature in individuals affected with WFS1-related conditions. ClinVar contains an entry for this variant (Variation ID: 546239). Advanced modeling of protein sequence and biophysical properties (such as structural, functional, and spatial information, amino acid conservation, physicochemical variation, residue mobility, and thermodynamic stability) performed at Invitae indicates that this missense variant is not expected to disrupt WFS1 protein function with a negative predictive value of 95%. In summary, the available evidence is currently insufficient to determine the role of this variant in disease. Therefore, it has been classified as a Variant of Uncertain Significance.

GeneDx
Classification: Uncertain significance. Last evaluated: 2018-05-17. Review status: criteria provided, single submitter. Criteria: GeneDx Variant Classification (06012015). Collection method: clinical testing. Allele origin: germline. Affected: yes.
Comment: The L121F variant in the WFS1 gene has not been reported previously as a pathogenic variant, nor as a benign variant, to our knowledge. The L121F variant is not observed in large population cohorts (Lek et al., 2016). The L121F variant is a conservative amino acid substitution, which is not likely to impact secondary protein structure as these residues share similar properties. In-silico analyses, including protein predictors and evolutionary conservation, support that this variant does not alter protein structure/function. We interpret L121F as a variant of uncertain significance.

NM_006005.3(WFS1):c.361C>T (p.Leu121Phe)

Gene: WFS1 (wolframin ER transmembrane glycoprotein; plus strand). Cytogenetic location: 4p16.1.
Variant type: single nucleotide variant.
Coding change: c.361C>T on transcript NM_006005.3 (MANE Select); coding-DNA position 361, C replaced by T.
Protein change: p.Leu121Phe; replaces leucine 121 with phenylalanine.
Molecular consequence: missense variant.
Genome position (GRCh38, 1-based): chr4:6,289,032, C>T. VCF-style: chr4-6289032-C-T. GRCh37 (hg19) VCF-style: chr4-6290759-C-T.
Other names: c.361C>T, p.Leu121Phe (NM_001145853.1); short protein forms L121F.
Identifiers: ClinVar variation 546239 (VCV000546239.7), dbSNP rs1553876675, ClinGen allele CA356171410.